The following is an entry in ClinVar:

NM_000501.4(ELN):c.1430_1432del (p.Val477del)

Genes: ELN (elastin; plus strand), ELN-AS1 (ELN antisense RNA 1; minus strand). Cytogenetic location: 7q11.23.
Variant type: Deletion.
Coding change: c.1430_1432del on transcript NM_000501.4 (MANE Select); coding-DNA positions 1430 to 1432, 3 bases deleted (TCG; older notation c.1430_1432delTCG).
Protein change: p.Val477del; deletes valine 477.
Molecular consequence: non-coding transcript variant (on NR_183555.1).
Genome position (GRCh38, 1-based): chr7:74,059,901-74,059,903, TCG deleted; deleting any 3 consecutive bases within chr7:74,059,900-74,059,903 gives the same sequence; the c. name uses the placement nearest the transcript's 3' end. VCF-style (leftmost placement, unchanged base first): chr7-74059899-TGTC-T. GRCh37 (hg19) VCF-style: chr7-73474229-TGTC-T.
Other names: c.1343_1345del, p.Val448del (NM_001081752.3); c.1388_1390del, p.Val463del (NM_001081753.3); c.1445_1447del, p.Val482del (NM_001081754.3); c.1373_1375del, p.Val458del (NM_001081755.3); c.1430_1432del, p.Val477del (NM_001278912.2); c.1187_1189del, p.Val396del (NM_001278913.2); c.1358_1360del, p.Val453del (NM_001278914.2); c.1448_1450del, p.Val483del (NM_001278915.2); and 5 more; short protein forms V448del, V467del, V483del, V463del, V482del, V388del, V396del, V444del.
Identifiers: ClinVar variation 3693919 (VCV003693919.3).

ClinVar aggregate classification (germline): Uncertain significance. Review status: criteria provided, multiple submitters, no conflicts (2 of 4 stars). 2 submissions from 2 submitters: Uncertain significance (2). Last evaluated 2025-07-21.

Conditions:
Supravalvar aortic stenosis (SVAS). Also called: Supravalvar aortic stenosis, Eisenberg type. Identifiers: Orphanet 3193, MedGen C0003499, MONDO:0008504, OMIM 185500, HP:0004381.
ELN-related disorder.

Submissions (2):

Labcorp Genetics (formerly Invitae), Labcorp
Classification: Uncertain significance for Supravalvar aortic stenosis. Last evaluated: 2025-07-21. Review status: criteria provided, single submitter. Criteria: Invitae Variant Classification Sherloc (09022015). Collection method: clinical testing. Allele origin: germline.
Comment: This variant, c.1517_1519del, results in the deletion of 1 amino acid(s) of the ELN protein (p.Val506del), but otherwise preserves the integrity of the reading frame. This variant is present in population databases (rs782585405, gnomAD 0.0009%). This variant has not been reported in the literature in individuals affected with ELN-related conditions. ClinVar contains an entry for this variant (Variation ID: 3693919). Experimental studies and prediction algorithms are not available or were not evaluated, and the functional significance of this variant is currently unknown. In summary, the available evidence is currently insufficient to determine the role of this variant in disease. Therefore, it has been classified as a Variant of Uncertain Significance.

PreventionGenetics, part of Exact Sciences
Classification: Uncertain significance for ELN-related condition. Last evaluated: 2024-12-06. Review status: criteria provided, single submitter. Criteria: ACMG Guidelines, 2015. Collection method: clinical testing. Allele origin: germline.
Comment: The ELN c.1430_1432delTCG variant is predicted to result in an in-frame deletion (p.Val477del). To our knowledge, this variant has not been reported in the literature or in a large population database (gnomAD), indicating this variant is rare. At this time, the clinical significance of this variant is uncertain due to the absence of conclusive functional and genetic evidence.